The following is an entry in ClinVar:

NM_000059.4(BRCA2):c.4105T>C (p.Ser1369Pro)

Gene: BRCA2 (BRCA2 DNA repair associated; plus strand). Cytogenetic location: 13q13.1.
Variant type: single nucleotide variant.
Coding change: c.4105T>C on transcript NM_000059.4 (MANE Select); coding-DNA position 4105, T replaced by C.
Protein change: p.Ser1369Pro; replaces serine 1369 with proline.
Molecular consequence: missense variant.
Genome position (GRCh38, 1-based): chr13:32,338,460, T>C. VCF-style: chr13-32338460-T-C. GRCh37 (hg19) VCF-style: chr13-32912597-T-C.
Other names: short protein forms S1369P.
Identifiers: ClinVar variation 419770 (VCV000419770.24), dbSNP rs138567364, ClinGen allele CA6940747.
Genomic context (GRCh38, chr13:32,338,460, plus strand): 5'-ATTCATAAAGATGAAACGGACTTGCTATTTACTGATCAGCACAACATATGTCTTAAATTA[T>C]CTGGCCAGTTTATGAAGGAGGGAAACACTCAGATTAAAGAAGATTTGTCAGATTTAACTT-3'
Protein context (NP_000050.3, residues 1359-1379): TDQHNICLKL[Ser1369Pro]GQFMKEGNTQ

ClinVar aggregate classification (germline): Conflicting classifications of pathogenicity. Review status: criteria provided, conflicting classifications (1 of 4 stars). 8 submissions from 8 submitters: Uncertain significance (6); Likely benign (2). Last evaluated 2025-09-16.

Conditions:
Hereditary cancer-predisposing syndrome. Also called: Hereditary neoplastic syndrome; Hereditary Cancer Syndrome; Neoplastic Syndromes, Hereditary; Tumor predisposition. Identifiers: Orphanet 140162, MedGen C0027672, MeSH D009386, MONDO:0015356.
Breast-ovarian cancer, familial, susceptibility to, 2 (BROVCA2). Also called: BRCA2 Hereditary Breast and Ovarian Cancer. Identifiers: Orphanet 145, MedGen C2675520, MONDO:0012933, OMIM 612555. Disease mechanism: loss of function.
Hereditary breast ovarian cancer syndrome. Also called: Hereditary breast and ovarian cancer syndrome; BRCA1- and BRCA2-Associated Hereditary Breast and Ovarian Cancer; Hereditary breast and/or ovarian cancer syndrome; Hereditary breast and ovarian cancer; Breast and ovarian cancer; Hereditary breast and ovarian cancer syndrome (HBOC). Identifiers: Orphanet 145, MedGen C0677776, MeSH D061325, MONDO:0003582. Disease mechanism: loss of function.

Allele frequency attached by ClinVar (database versions not stated): gnomAD exomes below 0.00001; ExAC 0.00001; gnomAD 0.00001; TOPMed 0.00002; ESP Exome Variant Server 0.00008.
gnomAD v4.1: 6 of 1,611,230 alleles (0.00037%); highest among the groups gnomAD compares: African/African-American, 0.0027%; no homozygotes.

Submissions (8):

Ambry Genetics
Classification: Uncertain significance for Hereditary cancer-predisposing syndrome. Last evaluated: 2025-09-16. Review status: criteria provided, single submitter. Criteria: Ambry Variant Classification Scheme 2023. Collection method: clinical testing. Allele origin: germline.
Comment: The p.S1369P variant (also known as c.4105T>C), located in coding exon 10 of the BRCA2 gene, results from a T to C substitution at nucleotide position 4105. The serine at codon 1369 is replaced by proline, an amino acid with similar properties. This amino acid position is not well conserved in available vertebrate species. In addition, this alteration is predicted to be tolerated by in silico analysis. Since supporting evidence is limited at this time, the clinical significance of this alteration remains unclear.

Labcorp Genetics (formerly Invitae), Labcorp
Classification: Uncertain significance for Hereditary breast ovarian cancer syndrome. Last evaluated: 2024-10-09. Review status: criteria provided, single submitter. Criteria: Invitae Variant Classification Sherloc (09022015). Collection method: clinical testing. Allele origin: germline.
Comment: This sequence change replaces serine, which is neutral and polar, with proline, which is neutral and non-polar, at codon 1369 of the BRCA2 protein (p.Ser1369Pro). This variant is present in population databases (rs138567364, gnomAD 0.008%). This variant has not been reported in the literature in individuals affected with BRCA2-related conditions. ClinVar contains an entry for this variant (Variation ID: 419770). Invitae Evidence Modeling of protein sequence and biophysical properties (such as structural, functional, and spatial information, amino acid conservation, physicochemical variation, residue mobility, and thermodynamic stability) indicates that this missense variant is not expected to disrupt BRCA2 protein function with a negative predictive value of 95%. In summary, the available evidence is currently insufficient to determine the role of this variant in disease. Therefore, it has been classified as a Variant of Uncertain Significance.

Color Diagnostics, LLC DBA Color Health
Classification: Uncertain significance for Hereditary cancer-predisposing syndrome. Last evaluated: 2024-09-24. Review status: criteria provided, single submitter. Criteria: ACMG Guidelines, 2015. Collection method: clinical testing. Allele origin: germline.
Comment: This missense variant replaces serine with proline at codon 1369 of the BRCA2 protein. Computational prediction suggests that this variant may not impact protein structure and function. To our knowledge, functional studies have not been reported for this variant. A multifactorial analysis has reported a likelihood ratio for pathogenicity based on personal and family history of 0.837 from log(LR)=-0.077314615 for one carrier (PMID: 31853058). This variant has been identified in 2/279786 chromosomes in the general population by the Genome Aggregation Database (gnomAD). The available evidence is insufficient to determine the role of this variant in disease conclusively. Therefore, this variant is classified as a Variant of Uncertain Significance.

Myriad Genetics, Inc.
Classification: Likely benign for Breast-ovarian cancer, familial, susceptibility to, 2. Last evaluated: 2024-06-24. Review status: criteria provided, single submitter. Criteria: Myriad Autosomal Dominant, Autosomal Recessive and X-Linked Classification Criteria (2023). Collection method: clinical testing. Allele origin: unknown.
Comment: This variant is considered likely benign. This variant is strongly associated with less severe personal and family histories of cancer, typical for individuals without pathogenic variants in this gene [PMID: 25085752].

All of Us Research Program, National Institutes of Health
Classification: Uncertain significance for Breast-ovarian cancer, familial, susceptibility to, 2. Last evaluated: 2023-11-20. Review status: criteria provided, single submitter. Criteria: ACMG Guidelines, 2015. Collection method: clinical testing. Allele origin: germline. Inheritance: Autosomal dominant inheritance. Observed: 1 variant allele, 1 heterozygote.
Comment: This missense variant replaces serine with proline at codon 1369 of the BRCA2 protein. Computational prediction suggests that this variant may not impact protein structure and function (internally defined REVEL score threshold <= 0.5, PMID: 27666373). To our knowledge, functional studies have not been reported for this variant. This variant has not been reported in individuals affected with BRCA2-related disorders in the literature. This variant has been identified in 2/279786 chromosomes in the general population by the Genome Aggregation Database (gnomAD). The available evidence is insufficient to determine the role of this variant in disease conclusively. Therefore, this variant is classified as a Variant of Uncertain Significance.

This study involves interpretation of variants in research participants for the purpose of population health screening. Participant phenotype was not available at the time of variant classification. Additional details can be found in publication PMID: 35346344, PMCID: PMC8962531

University of Washington Department of Laboratory Medicine, University of Washington
Classification: Likely benign for Hereditary cancer-predisposing syndrome. Last evaluated: 2023-03-23. Review status: criteria provided, single submitter. Criteria: Dines et al. (Genet Med. 2020). Collection method: curation. Allele origin: germline.
Comment: Missense variant in a coldspot region where missense variants are very unlikely to be pathogenic (PMID:31911673).

BRCA2 exon 11 coldspot. Reclassification based on statistical prior probability.

GeneDx
Classification: Uncertain significance. Last evaluated: 2022-05-12. Review status: criteria provided, single submitter. Criteria: GeneDx Variant Classification Process June 2021. Collection method: clinical testing. Allele origin: germline. Affected: yes.
Comment: Not observed at significant frequency in large population cohorts (gnomAD); In silico analysis supports that this missense variant does not alter protein structure/function; Has not been previously published as pathogenic or benign to our knowledge; Also known as 4333T>C

Women's Health and Genetics/Laboratory Corporation of America, LabCorp
Classification: Uncertain significance. Last evaluated: 2021-09-19. Review status: criteria provided, single submitter. Criteria: LabCorp Variant Classification Summary - May 2015. Collection method: clinical testing. Allele origin: germline.

Literature cited by the submitters: PubMed 31853058 (cited by Color Diagnostics, LLC DBA Color Health); PubMed 25085752 (cited by Myriad Genetics, Inc.).